The following is an entry in ClinVar:

NM_213622.4(STAMBP):c.188A>G (p.Tyr63Cys)

Genes: STAMBP (STAM binding protein; plus strand), LOC126806253 (CDK7 strongly-dependent group 2 enhancer GRCh37_chr2:74057585-74058784; plus strand). Cytogenetic location: 2p13.1.
Variant type: single nucleotide variant.
Coding change: c.188A>G on transcript NM_213622.4 (MANE Select); coding-DNA position 188, A replaced by G.
Protein change: p.Tyr63Cys; replaces tyrosine 63 with cysteine.
Molecular consequence: missense variant. On other transcripts: 5 prime UTR variant (5), non-coding transcript variant (4), intron variant (1).
Genome position (GRCh38, 1-based): chr2:73,831,044, A>G. VCF-style: chr2-73831044-A-G. GRCh37 (hg19) VCF-style: chr2-74058171-A-G.
Other names: c.188A>G, p.Tyr63Cys (NM_001353967.2, NM_001353968.2, NM_001353969.2 and 3 more transcripts); c.-366A>G (NM_001353971.2, NM_001353973.2, NM_001353974.2 and 2 more transcripts); c.-203+2048A>G (NM_001353972.2); short protein forms Y63C.
Identifiers: ClinVar variation 1298814 (VCV001298814.42), dbSNP rs781694797, ClinGen allele CA1717451.

ClinVar aggregate classification (germline): Conflicting classifications of pathogenicity. Review status: criteria provided, conflicting classifications (1 of 4 stars). 3 submissions from 3 submitters: Likely pathogenic (2); Uncertain significance (1). Last evaluated 2025-04-28.

Conditions:
Microcephaly-capillary malformation syndrome (MICCAP). Identifiers: Orphanet 294016, MedGen C3280296, MONDO:0013659, OMIM 614261.

Allele frequency attached by ClinVar (database versions not stated): gnomAD 0.00001 and 0.00003; TOPMed 0.00002; gnomAD exomes 0.00005; ExAC 0.00007.
gnomAD v4.1: 32 of 1,613,984 alleles (0.002%); highest among the groups gnomAD compares: Non-Finnish European, 0.0025%; no homozygotes.

Submissions (3):

Labcorp Genetics (formerly Invitae), Labcorp
Classification: Likely pathogenic. Last evaluated: 2025-04-28. Review status: criteria provided, single submitter. Criteria: Invitae Variant Classification Sherloc (09022015). Collection method: clinical testing. Allele origin: germline.
Comment: This sequence change replaces tyrosine, which is neutral and polar, with cysteine, which is neutral and slightly polar, at codon 63 of the STAMBP protein (p.Tyr63Cys). This variant is present in population databases (rs781694797, gnomAD 0.01%). This missense change has been observed in individuals with leukodystrophy and/or microcephaly-capillary malformation syndrome (PMID: 23542699, 32929933, 34791078). ClinVar contains an entry for this variant (Variation ID: 1298814). Invitae Evidence Modeling of protein sequence and biophysical properties (such as structural, functional, and spatial information, amino acid conservation, physicochemical variation, residue mobility, and thermodynamic stability) indicates that this missense variant is expected to disrupt STAMBP protein function with a positive predictive value of 95%. In summary, the currently available evidence indicates that the variant is pathogenic, but additional data are needed to prove that conclusively. Therefore, this variant has been classified as Likely Pathogenic.

Genomic Medicine Center of Excellence, King Faisal Specialist Hospital and Research Centre
Classification: Likely pathogenic for Microcephaly-capillary malformation syndrome. Last evaluated: 2024-09-22. Review status: criteria provided, single submitter. Criteria: ACMG Guidelines, 2015. Collection method: clinical testing. Allele origin: germline.

CeGaT Center for Human Genetics Tuebingen
Classification: Uncertain significance. Last evaluated: 2021-08-01. Review status: criteria provided, single submitter. Criteria: CeGaT Center For Human Genetics Tuebingen Variant Classification Criteria Version 2. Collection method: clinical testing. Allele origin: germline. Affected: yes. Observed: 1 variant allele.

Literature cited by the submitters: PubMed 23542699 (cited by Labcorp Genetics (formerly Invitae), Labcorp); PubMed 32929933 (cited by Labcorp Genetics (formerly Invitae), Labcorp); PubMed 34791078 (cited by Labcorp Genetics (formerly Invitae), Labcorp).